The following is an entry in ClinVar:

NM_022455.5(NSD1):c.209T>G (p.Ile70Ser)

Gene: NSD1 (nuclear receptor binding SET domain protein 1; plus strand). Cytogenetic location: 5q35.3.
Variant type: single nucleotide variant.
Coding change: c.209T>G on transcript NM_022455.5 (MANE Select); coding-DNA position 209, T replaced by G.
Protein change: p.Ile70Ser; replaces isoleucine 70 with serine.
Molecular consequence: missense variant. On other transcripts: intron variant (7).
Genome position (GRCh38, 1-based): chr5:177,135,312, T>G. VCF-style: chr5-177135312-T-G. GRCh37 (hg19) VCF-style: chr5-176562313-T-G.
Other names: c.209T>G, p.Ile70Ser (NM_001409301.1, NM_001409302.1, NM_001409303.1 and 1 more transcripts); c.-37+112T>G (NM_001409305.1, NM_001409306.1, NM_001409308.1 and 4 more transcripts); short protein forms I70S.
Identifiers: ClinVar variation 1372217 (VCV001372217.9), dbSNP rs760029045, ClinGen allele CA3576856.

ClinVar aggregate classification (germline): Conflicting classifications of pathogenicity. Review status: criteria provided, conflicting classifications (1 of 4 stars). 2 submissions from 2 submitters: Uncertain significance (1); Likely benign (1). Last evaluated 2025-12-11.

Conditions:
Inborn genetic diseases. Identifiers: MedGen C0950123, MeSH D030342.

Allele frequency attached by ClinVar (database versions not stated): TOPMed 0.00001; gnomAD exomes 0.00002; ExAC 0.00003.
gnomAD v4.1: 4 of 1,613,474 alleles (0.00025%); highest among the groups gnomAD compares: Admixed American, 0.005%; no homozygotes.

Submissions (2):

Labcorp Genetics (formerly Invitae), Labcorp
Classification: Uncertain significance. Last evaluated: 2025-12-11. Review status: criteria provided, single submitter. Criteria: Invitae Variant Classification Sherloc (09022015). Collection method: clinical testing. Allele origin: germline.
Comment: This sequence change replaces isoleucine, which is neutral and non-polar, with serine, which is neutral and polar, at codon 70 of the NSD1 protein (p.Ile70Ser). This variant is present in population databases (rs760029045, gnomAD 0.006%). This variant has not been reported in the literature in individuals affected with NSD1-related conditions. ClinVar contains an entry for this variant (Variation ID: 1372217). Invitae Evidence Modeling of protein sequence and biophysical properties (such as structural, functional, and spatial information, amino acid conservation, physicochemical variation, residue mobility, and thermodynamic stability) has been performed for this missense variant. However, the output from this modeling did not meet the statistical confidence thresholds required to predict the impact of this variant on NSD1 protein function. In summary, the available evidence is currently insufficient to determine the role of this variant in disease. Therefore, it has been classified as a Variant of Uncertain Significance.

Ambry Genetics
Classification: Likely benign for Inborn genetic diseases. Last evaluated: 2024-01-30. Review status: criteria provided, single submitter. Criteria: Ambry Variant Classification Scheme 2023. Collection method: clinical testing. Allele origin: germline.